The following is an entry in ClinVar:

ClinVar aggregate classification (germline): Likely pathogenic. Review status: criteria provided, multiple submitters, no conflicts (2 of 4 stars). 4 submissions from 4 submitters: Likely pathogenic (3). 1 of the submissions does not count toward it. Last evaluated 2026-06-17.

Conditions:
Cardiovascular phenotype. Identifiers: MedGen CN230736.
Primary dilated cardiomyopathy (DCM). Also called: Dilated Cardiomyopathy. Identifiers: Orphanet 217604, MedGen C0007193, MeSH D002311, MONDO:0005021, HP:0001644. Inheritance: Various modes of inheritance.
Hypertrophic cardiomyopathy. Also called: HYPERTROPHIC MYOCARDIOPATHY. Identifiers: Orphanet 217569, MedGen C0007194, MeSH D002312, MONDO:0005045, HP:0001639.

Submissions (4):

Ambry Genetics
Classification: Likely pathogenic for Cardiovascular phenotype. Last evaluated: 2026-06-17. Review status: criteria provided, single submitter. Criteria: Ambry Variant Classification Scheme 2023. Collection method: clinical testing. Allele origin: germline.
Comment: The p.I92T variant (also known as c.275T>C), located in coding exon 3 of the TPM1 gene, results from a T to C substitution at nucleotide position 275. The isoleucine at codon 92 is replaced by threonine, an amino acid with similar properties. This variant was reported in individual(s) with features consistent with dilated cardiomyopathy (DCM) (Hershberger RE et al. Circ Cardiovasc Genet, 2010 Apr;3:155-61; Rampersaud E et al. Prog. Pediatr. Cardiol., 2011 Jan;31:39-47; Pugh TJ et al. Genet. Med., 2014 Aug;16:601-8; Walsh R et al. Genet. Med., 2017 02;19:192-203; Ambry internal data). One study reported this variant may impact protein function (liwinska M et al. Biochim Biophys Acta Proteins Proteom, 2018 Apr;1866:558-568). This missense variant is located in a region that has a low rate of benign missense variation (Lek M et al. Nature. 2016 Aug 18;536(7616):285-91; DECIPHER: Database of Chromosomal Imbalance and Phenotype in Humans using Ensembl Resources. Firth H.V. et al. 2009. Am.J.Hum.Genet. 84, 524-533 (DOI)). This amino acid position is highly conserved in available vertebrate species. In addition, this alteration is predicted to be deleterious by in silico analysis. This variant is considered to be rare based on population cohorts in the Genome Aggregation Database (gnomAD). Based on the majority of available evidence to date, this variant is likely to be pathogenic.

Labcorp Genetics (formerly Invitae), Labcorp
Classification: Likely pathogenic for Hypertrophic cardiomyopathy. Last evaluated: 2024-09-21. Review status: criteria provided, single submitter. Criteria: Invitae Variant Classification Sherloc (09022015). Collection method: clinical testing. Allele origin: germline.
Comment: This sequence change replaces isoleucine, which is neutral and non-polar, with threonine, which is neutral and polar, at codon 92 of the TPM1 protein (p.Ile92Thr). This variant is not present in population databases (gnomAD no frequency). This missense change has been observed in individuals with dilated cardiomyopathy (PMID: 20215591, 21483645, 27532257, 33906374; internal data). ClinVar contains an entry for this variant (Variation ID: 31891). An algorithm developed to predict the effect of missense changes on protein structure and function (PolyPhen-2) suggests that this variant is likely to be disruptive. Experimental studies have shown that this missense change affects TPM1 function (PMID: 29496559). In summary, the currently available evidence indicates that the variant is pathogenic, but additional data are needed to prove that conclusively. Therefore, this variant has been classified as Likely Pathogenic.

Laboratory for Molecular Medicine, Mass General Brigham Personalized Medicine
Classification: Likely pathogenic for Primary dilated cardiomyopathy. Last evaluated: 2014-11-11. Review status: criteria provided, single submitter. Criteria: LMM Criteria. Collection method: clinical testing. Allele origin: germline. Observed: 3 variant alleles.
Comment: proposed classification - variant undergoing re-assessment, contact laboratory

Leiden Muscular Dystrophy (TPM1)
No classification provided. Last evaluated: 2012-04-15. Review status: no classification provided. Collection method: curation. Allele origin: germline. Not counted in ClinVar's aggregate classification.

Literature cited by the submitters: PubMed 20215591 (cited by 3 submitters); PubMed 21483645 (cited by 3 submitters); PubMed 24503780 (cited by Ambry Genetics); PubMed 27532257 (cited by Ambry Genetics and Labcorp Genetics (formerly Invitae), Labcorp); PubMed 29496559 (cited by Ambry Genetics and Labcorp Genetics (formerly Invitae), Labcorp); PubMed 33906374 (cited by Ambry Genetics and Labcorp Genetics (formerly Invitae), Labcorp); PubMed 34834072 (cited by Ambry Genetics).

NM_001018005.2(TPM1):c.275T>C (p.Ile92Thr)

Gene: TPM1 (tropomyosin 1; plus strand). Cytogenetic location: 15q22.2.
Variant type: single nucleotide variant.
Coding change: c.275T>C on transcript NM_001018005.2 (MANE Select); coding-DNA position 275, T replaced by C.
Protein change: p.Ile92Thr; replaces isoleucine 92 with threonine.
Molecular consequence: missense variant.
Genome position (GRCh38, 1-based): chr15:63,057,019, T>C. VCF-style: chr15-63057019-T-C. GRCh37 (hg19) VCF-style: chr15-63349218-T-C.
Other names: c.275T>C, p.Ile92Thr (NM_000366.6, NM_001018004.2, NM_001018006.2 and 6 more transcripts); c.167T>C, p.Ile56Thr (NM_001018008.2, NM_001301289.2, NM_001330344.2 and 5 more transcripts); c.401T>C, p.Ile134Thr (NM_001365778.1); short protein forms I92T, I134T, I56T.
Identifiers: ClinVar variation 31891 (VCV000031891.17), dbSNP rs199476310, ClinGen allele CA017922.